The following is an entry in ClinVar:

ClinVar aggregate classification (germline): Uncertain significance. Review status: criteria provided, multiple submitters, no conflicts (2 of 4 stars). 2 submissions from 2 submitters: Uncertain significance (2). Last evaluated 2023-06-12.

Conditions:
Immunodeficiency 51 (IMD51). Also called: CANDIDIASIS, FAMILIAL, 5. Identifiers: Orphanet 1334, MedGen C4310803, MONDO:0013500, OMIM 613953.

Allele frequency attached by ClinVar (database versions not stated): ExAC 0.00001.
gnomAD v4.1: 31 of 1,608,756 alleles (0.0019%); highest among the groups gnomAD compares: East Asian, 0.025%; no homozygotes.

Submissions (2):

Ambry Genetics
Classification: Uncertain significance. Last evaluated: 2023-06-12. Review status: criteria provided, single submitter. Criteria: Ambry Variant Classification Scheme 2023. Collection method: clinical testing. Allele origin: germline.

Labcorp Genetics (formerly Invitae), Labcorp
Classification: Uncertain significance for Immunodeficiency 51. Last evaluated: 2021-08-27. Review status: criteria provided, single submitter. Criteria: Invitae Variant Classification Sherloc (09022015). Collection method: clinical testing. Allele origin: germline.
Comment: This sequence change replaces valine with isoleucine at codon 579 of the IL17RA protein (p.Val579Ile). The valine residue is weakly conserved and there is a small physicochemical difference between valine and isoleucine. This variant is present in population databases (rs750666893, ExAC 0.01%). This variant has not been reported in the literature in individuals affected with IL17RA-related conditions. Algorithms developed to predict the effect of missense changes on protein structure and function output the following: SIFT: "Tolerated"; PolyPhen-2: "Benign"; Align-GVGD: "Class C0". The isoleucine amino acid residue is found in multiple mammalian species, which suggests that this missense change does not adversely affect protein function. In summary, the available evidence is currently insufficient to determine the role of this variant in disease. Therefore, it has been classified as a Variant of Uncertain Significance.

NM_014339.7(IL17RA):c.1735G>A (p.Val579Ile)

Gene: IL17RA (interleukin 17 receptor A; plus strand). Cytogenetic location: 22q11.1.
Variant type: single nucleotide variant.
Coding change: c.1735G>A on transcript NM_014339.7 (MANE Select); coding-DNA position 1735, G replaced by A.
Protein change: p.Val579Ile; replaces valine 579 with isoleucine.
Molecular consequence: missense variant.
Genome position (GRCh38, 1-based): chr22:17,108,954, G>A. VCF-style: chr22-17108954-G-A. GRCh37 (hg19) VCF-style: chr22-17589844-G-A.
Other names: c.1633G>A, p.Val545Ile (NM_001289905.2); c.1735G>A (NM_014339.5); short protein forms V579I, V545I.
Identifiers: ClinVar variation 1432234 (VCV001432234.6), dbSNP rs750666893, ClinGen allele CA10086838.
Genomic context (GRCh38, chr22:17,108,954, plus strand): 5'-CTGCGGAGCCCGGGCGGCAGGCAGCTCCGCGCCGCCCTGGACAGGTTCCGGGACTGGCAG[G>A]TCCGCTGTCCCGACTGGTTCGAATGTGAGAACCTCTACTCAGCAGATGACCAGGATGCCC-3'
Protein context (NP_055154.3, residues 569-589): AALDRFRDWQ[Val579Ile]RCPDWFECEN